The following is an entry in ClinVar:

NM_006389.5(HYOU1):c.1953G>T (p.Lys651Asn)

Gene: HYOU1 (hypoxia up-regulated 1; minus strand). Cytogenetic location: 11q23.3.
Variant type: single nucleotide variant.
Coding change: c.1953G>T on transcript NM_006389.5 (MANE Select); coding-DNA position 1953, G replaced by T.
Protein change: p.Lys651Asn; replaces lysine 651 with asparagine.
Molecular consequence: missense variant.
Genome position (GRCh38, 1-based): chr11:119,049,057, C>A on the plus strand (G>T on the coding strand, the complement: HYOU1 is on the minus strand). VCF-style: chr11-119049057-C-A. GRCh37 (hg19) VCF-style: chr11-118919769-C-A.
Other names: c.1953G>T, p.Lys651Asn (NM_001130991.3, NM_001411041.1); short protein forms K651N.
Identifiers: ClinVar variation 2728173 (VCV002728173.3), dbSNP rs1944255306, ClinGen allele CA382930430.
Genomic context (GRCh38, chr11:119,049,057, plus strand): 5'-CCTTCCTCTGCCACAGCTCACCTGGGCCTCAGACTTGTCCCCATTTTCTTTTTCTGTGGC[C>A]TTTTCTCCCTCAGGGGTTGCATCTCCCTTAGGTTCAGGGGGTGGGGGCTGAGAGCCATCC-3'
Protein context (NP_006380.1, residues 641-661): PKGDATPEGE[Lys651Asn]ATEKENGDKS

ClinVar aggregate classification (germline): Uncertain significance (1 of 4 stars; one submission).

Submission:

Labcorp Genetics (formerly Invitae), Labcorp
Classification: Uncertain significance. Last evaluated: 2023-11-13. Review status: criteria provided, single submitter. Criteria: Invitae Variant Classification Sherloc (09022015). Collection method: clinical testing. Allele origin: germline.
Comment: This sequence change replaces lysine, which is basic and polar, with asparagine, which is neutral and polar, at codon 651 of the HYOU1 protein (p.Lys651Asn). This variant is not present in population databases (gnomAD no frequency). This variant has not been reported in the literature in individuals affected with HYOU1-related conditions. An algorithm developed to predict the effect of missense changes on protein structure and function (PolyPhen-2) suggests that this variant is likely to be tolerated. In summary, the available evidence is currently insufficient to determine the role of this variant in disease. Therefore, it has been classified as a Variant of Uncertain Significance.